The following is an entry in ClinVar:

NM_001372.4(DNAH9):c.8808del (p.Cys2937fs)

Gene: DNAH9 (dynein axonemal heavy chain 9; plus strand). Cytogenetic location: 17p12.
Variant type: Deletion.
Coding change: c.8808del on transcript NM_001372.4 (MANE Select); coding-DNA position 8808, one base deleted (C; older notation c.8808delC).
Protein change: p.Cys2937fs; shifts the reading frame from cysteine 2937.
Molecular consequence: frameshift variant.
Genome position (GRCh38, 1-based): chr17:11,822,020, C deleted. VCF-style (leftmost placement, unchanged base first): chr17-11822019-AC-A. GRCh37 (hg19) VCF-style: chr17-11725336-AC-A.
Other names: short protein forms C2937fs.
Identifiers: ClinVar variation 4729041 (VCV004729041.1).

ClinVar aggregate classification (germline): Pathogenic (1 of 4 stars; one submission).

Submission:

Labcorp Genetics (formerly Invitae), Labcorp
Classification: Pathogenic. Last evaluated: 2025-10-12. Review status: criteria provided, single submitter. Criteria: Invitae Variant Classification Sherloc (09022015). Collection method: clinical testing. Allele origin: germline.
Comment: This sequence change creates a premature translational stop signal (p.Cys2937Valfs*6) in the DNAH9 gene. It is expected to result in an absent or disrupted protein product. Loss-of-function variants in DNAH9 are known to be pathogenic (PMID: 30471718). This variant is not present in population databases (gnomAD no frequency). This variant has not been reported in the literature in individuals affected with DNAH9-related conditions. For these reasons, this variant has been classified as Pathogenic.

Literature cited by the submitters: PubMed 30471718.